The following is an entry in ClinVar:

NM_002528.7(NTHL1):c.485C>T (p.Ala162Val)

Gene: NTHL1 (nth like DNA glycosylase 1; minus strand). Cytogenetic location: 16p13.3.
Variant type: single nucleotide variant.
Coding change: c.485C>T on transcript NM_002528.7 (MANE Select); coding-DNA position 485, C replaced by T.
Protein change: p.Ala162Val; replaces alanine 162 with valine.
Molecular consequence: missense variant. On other transcripts: intron variant (1).
Genome position (GRCh38, 1-based): chr16:2,044,670, G>A on the plus strand (C>T on the coding strand, the complement: NTHL1 is on the minus strand). VCF-style: chr16-2044670-G-A. GRCh37 (hg19) VCF-style: chr16-2094671-G-A.
Other names: c.155C>T, p.Ala52Val (NM_001318194.2); c.355-944C>T (NM_001318193.2); short protein forms A52V, A162V.
Identifiers: ClinVar variation 5025887 (VCV005025887.1).

ClinVar aggregate classification (germline): Uncertain significance (1 of 4 stars; one submission).

Conditions:
Hereditary cancer-predisposing syndrome. Also called: Neoplastic Syndromes, Hereditary; Tumor predisposition; Hereditary neoplastic syndrome; Hereditary Cancer Syndrome. Identifiers: Orphanet 140162, MedGen C0027672, MeSH D009386, MONDO:0015356.

gnomAD v4.1: 1 of 1,610,474 alleles (0.000062%); highest among the groups gnomAD compares: Non-Finnish European, 0.000085%; no homozygotes.

Submission:

Ambry Genetics
Classification: Uncertain significance for Hereditary cancer-predisposing syndrome. Last evaluated: 2026-07-06. Review status: criteria provided, single submitter. Criteria: Ambry Variant Classification Scheme 2023. Collection method: clinical testing. Allele origin: germline.
Comment: The p.A170V variant (also known as c.509C>T), located in coding exon 3 of the NTHL1 gene, results from a C to T substitution at nucleotide position 509. The alanine at codon 170 is replaced by valine, an amino acid with similar properties. This amino acid position is conserved. In addition, this alteration is predicted to be tolerated by in silico analysis. Based on the available evidence, the clinical significance of this variant remains unclear.